The following is an entry in ClinVar:

NM_016507.4(CDK12):c.2503C>T (p.His835Tyr)

Gene: CDK12 (cyclin dependent kinase 12; plus strand). Cytogenetic location: 17q12.
Variant type: single nucleotide variant.
Coding change: c.2503C>T on transcript NM_016507.4 (MANE Select); coding-DNA position 2503, C replaced by T.
Protein change: p.His835Tyr; replaces histidine 835 with tyrosine.
Molecular consequence: missense variant.
Genome position (GRCh38, 1-based): chr17:39,501,333, C>T. VCF-style: chr17-39501333-C-T. GRCh37 (hg19) VCF-style: chr17-37657586-C-T.
Other names: c.2503C>T, p.His835Tyr (NM_015083.4); short protein forms H835Y.
Identifiers: ClinVar variation 4651494 (VCV004651494.1).

ClinVar aggregate classification (germline): Uncertain significance (1 of 4 stars; one submission).

Submission:

Ambry Genetics
Classification: Uncertain significance. Last evaluated: 2025-12-12. Review status: criteria provided, single submitter. Criteria: Ambry Variant Classification Scheme 2023. Collection method: clinical testing. Allele origin: germline.
Comment: The p.H835Y variant (also known as c.2503C>T), located in coding exon 6 of the CDK12 gene, results from a C to T substitution at nucleotide position 2503. The histidine at codon 835 is replaced by tyrosine, an amino acid with similar properties. This amino acid position is conserved. In addition, this alteration is predicted to be deleterious by in silico analysis. Based on the available evidence, the clinical significance of this variant remains unclear.